The following is an entry in ClinVar:

ClinVar aggregate classification (germline): not provided (0 of 4 stars; one submission).

Allele frequency attached by ClinVar (database versions not stated): TOPMed 0.00014; gnomAD exomes 0.00019; gnomAD 0.00021 and 0.00022.
gnomAD v4.1: 244 of 1,252,130 alleles (0.019%); highest among the groups gnomAD compares: Non-Finnish European, 0.026%; no homozygotes.

Submission:

Human Evolutionary Genetics, Institut Pasteur
No classification provided. Review status: no classification provided. Collection method: not provided. Allele origin: germline.
ClinVar note: Converted during submission from untested to not provided.

NM_176822.4(NLRP14):c.3147-109T>C

Gene: NLRP14 (NLR family pyrin domain containing 14; plus strand). Cytogenetic location: 11p15.4.
Variant type: single nucleotide variant.
Coding change: c.3147-109T>C on transcript NM_176822.4 (MANE Select); 109 bases into the intron before coding-DNA position 3147, T replaced by C.
Molecular consequence: intron variant.
Genome position (GRCh38, 1-based): chr11:7,071,064, T>C. VCF-style: chr11-7071064-T-C. GRCh37 (hg19) VCF-style: chr11-7092295-T-C.
Identifiers: ClinVar variation 103352 (VCV000103352.2), dbSNP rs199475891, ClinGen allele CA230458.
Genomic context (GRCh38, chr11:7,071,064, plus strand): 5'-TCACTGTATCTCTCTCAGTTCGCTTCCCCACTCCTCACCCATGTTATAATATTATCTCTC[T>C]ATTTTAACAGAACAGTTTTTTTTCTCCTGAAATAAATCCTTTACAGAGAAAGTGGAGGGC-3'